The following is an entry in ClinVar:

ClinVar aggregate classification (germline): Uncertain significance. Review status: criteria provided, multiple submitters, no conflicts (2 of 4 stars). 2 submissions from 2 submitters: Uncertain significance (2). Last evaluated 2025-08-01.

Conditions:
NIPAL3-related disorder. Also called: NIPAL3-related condition.

gnomAD v4.1: 1 of 1,587,448 alleles (0.000063%); no homozygotes.

Submissions (2):

PreventionGenetics, part of Exact Sciences
Classification: Uncertain significance for NIPAL3-related condition. Last evaluated: 2025-08-01. Review status: criteria provided, single submitter. Criteria: ACMG Guidelines, 2015. Collection method: clinical testing. Allele origin: germline.
Comment: The NIPAL3 c.887T>A variant is predicted to result in the amino acid substitution p.Ile296Asn. To our knowledge, this variant has not been reported in the literature. This variant is reported in 0.0% of alleles in individuals of African descent in gnomAD. At this time, the clinical significance of this variant is uncertain due to the absence of conclusive functional and genetic evidence.

Ambry Genetics
Classification: Uncertain significance. Last evaluated: 2024-03-18. Review status: criteria provided, single submitter. Criteria: Ambry Variant Classification Scheme 2023. Collection method: clinical testing. Allele origin: germline.

NM_020448.5(NIPAL3):c.887T>A (p.Ile296Asn)

Gene: NIPAL3 (NIPA like domain containing 3; plus strand). Cytogenetic location: 1p36.11.
Variant type: single nucleotide variant.
Coding change: c.887T>A on transcript NM_020448.5 (MANE Select); coding-DNA position 887, T replaced by A.
Protein change: p.Ile296Asn; replaces isoleucine 296 with asparagine.
Molecular consequence: missense variant. On other transcripts: non-coding transcript variant (2), intron variant (1).
Genome position (GRCh38, 1-based): chr1:24,460,505, T>A. VCF-style: chr1-24460505-T-A. GRCh37 (hg19) VCF-style: chr1-24786995-T-A.
Other names: c.887T>A (NM_001322854.1); c.887T>A, p.Ile296Asn (NM_001322854.2, NM_001322855.2, NM_001322856.2 and 2 more transcripts); c.404T>A, p.Ile135Asn (NM_001322858.2, NM_001322859.2, NM_001322860.2 and 1 more transcripts); c.641T>A, p.Ile214Asn (NM_001322862.2, NM_001322863.2); c.884T>A, p.Ile295Asn (NM_001322864.2); c.860T>A, p.Ile287Asn (NM_001322866.2); c.774-3521T>A (NM_001322868.2); short protein forms I296N, I295N, I287N, I135N, I214N.
Identifiers: ClinVar variation 3299790 (VCV003299790.2).